The following is an entry in ClinVar:

ClinVar aggregate classification (germline): Uncertain significance. Review status: criteria provided, multiple submitters, no conflicts (2 of 4 stars). 2 submissions from 2 submitters: Uncertain significance (2). Last evaluated 2026-06-11.

Conditions:
Gorlin syndrome. Also called: Nevoid Basal Cell Carcinoma Syndrome; Basal cell nevus syndrome. Identifiers: Orphanet 377, MedGen C0004779, MONDO:0007187.
Hereditary cancer-predisposing syndrome. Also called: Neoplastic Syndromes, Hereditary; Tumor predisposition; Hereditary Cancer Syndrome; Hereditary neoplastic syndrome. Identifiers: Orphanet 140162, MedGen C0027672, MeSH D009386, MONDO:0015356.

gnomAD v4.1: 1 of 1,613,510 alleles (0.000062%); highest among the groups gnomAD compares: Non-Finnish European, 0.000085%; no homozygotes.

Submissions (2):

Ambry Genetics
Classification: Uncertain significance for Hereditary cancer-predisposing syndrome. Last evaluated: 2026-06-11. Review status: criteria provided, single submitter. Criteria: Ambry Variant Classification Scheme 2023. Collection method: clinical testing. Allele origin: germline.

Labcorp Genetics (formerly Invitae), Labcorp
Classification: Uncertain significance for Gorlin syndrome. Last evaluated: 2025-10-21. Review status: criteria provided, single submitter. Criteria: Invitae Variant Classification Sherloc (09022015). Collection method: clinical testing. Allele origin: germline.
Comment: This sequence change replaces leucine, which is neutral and non-polar, with serine, which is neutral and polar, at codon 818 of the PTCH1 protein (p.Leu818Ser). This variant is not present in population databases (gnomAD no frequency). This variant has not been reported in the literature in individuals affected with PTCH1-related conditions. ClinVar contains an entry for this variant (Variation ID: 3939905). Invitae Evidence Modeling of protein sequence and biophysical properties (such as structural, functional, and spatial information, amino acid conservation, physicochemical variation, residue mobility, and thermodynamic stability) indicates that this missense variant is not expected to disrupt PTCH1 protein function with a negative predictive value of 95%. In summary, the available evidence is currently insufficient to determine the role of this variant in disease. Therefore, it has been classified as a Variant of Uncertain Significance.

NM_000264.5(PTCH1):c.2453T>C (p.Leu818Ser)

Genes: PTCH1 (patched 1; minus strand), LOC100507346 (uncharacterized LOC100507346; plus strand). Cytogenetic location: 9q22.32.
Variant type: single nucleotide variant.
Coding change: c.2453T>C on transcript NM_000264.5 (MANE Select); coding-DNA position 2453, T replaced by C.
Protein change: p.Leu818Ser; replaces leucine 818 with serine.
Molecular consequence: missense variant. On other transcripts: non-coding transcript variant (1).
Genome position (GRCh38, 1-based): chr9:95,467,223, A>G on the plus strand (T>C on the coding strand, the complement: PTCH1 is on the minus strand). VCF-style: chr9-95467223-A-G. GRCh37 (hg19) VCF-style: chr9-98229505-A-G.
Other names: c.2255T>C, p.Leu752Ser (NM_001083602.3); c.2450T>C, p.Leu817Ser (NM_001083603.3); c.2000T>C, p.Leu667Ser (NM_001083604.3, NM_001083605.3, NM_001083606.3 and 1 more transcripts); c.2297T>C, p.Leu766Ser (NM_001354918.2); short protein forms L752S, L818S, L667S, L817S, L766S.
Identifiers: ClinVar variation 3939905 (VCV003939905.3).
Genomic context (GRCh38, chr9:95,467,223, plus strand): 5'-TTGTTTTCTTCCAACATGACATACTTCACGTTACTGAAACTCCTGTGTAGGTCGTAAAGT[A>G]AGTGCTGGATATTCGGGTAGTCTGCTTTCTGGGTGACTATATACATGTTGTAGAAAGAAA-3'
Protein context (NP_000255.2, residues 808-828): QKADYPNIQH[Leu818Ser]LYDLHRSFSN